The following is an entry in ClinVar:

ClinVar aggregate classification (germline): Benign (1 of 4 stars; one submission).

Submissions (4):

Women's Health and Genetics/Laboratory Corporation of America, LabCorp
Classification: Benign. Last evaluated: 2026-06-03. Review status: criteria provided, single submitter. Criteria: LabCorp Variant Classification Summary - May 2015. Collection method: clinical testing. Allele origin: germline.
Comment: Variant summary: IPO8 c.2075-4delT alters a nucleotide located at a position not widely known to affect splicing. Consensus agreement among computation tools predict no significant impact on normal splicing. However, these predictions have yet to be confirmed by functional studies. The variant allele was found at a frequency of 0.017 in 238088 control chromosomes, predominantly at a frequency of 0.091 within the East Asian subpopulation in the gnomAD database, including 59 homozygotes. The observed variant frequency within East Asian control individuals in the gnomAD database exceeds the estimated maximal expected allele frequency for disease-causing variants in IPO8. To our knowledge, no occurrence of c.2075-4delT in individuals affected with IPO8-related conditions and no experimental evidence demonstrating its impact on protein function have been reported. No submitters have cited clinical-significance assessments for this variant to ClinVar. Based on the evidence outlined above, the variant was classified as benign.

Dr. Peter K. Rogan Lab, Western University
No classification provided (evidence only). Condition: Clear cell carcinoma of kidney. Review status: no classification provided. Collection method: in vitro. Allele origin: not applicable. Functional consequence: retained intron. Not counted in ClinVar's aggregate classification.

Dr. Peter K. Rogan Lab, Western University
No classification provided (evidence only). Condition: Papillary renal cell carcinoma type 1. Review status: no classification provided. Collection method: in vitro. Allele origin: not applicable. Functional consequence: retained intron. Not counted in ClinVar's aggregate classification.

Dr. Peter K. Rogan Lab, Western University
No classification provided (evidence only). Condition: Malignant tumor of esophagus. Review status: no classification provided. Collection method: in vitro. Allele origin: not applicable. Functional consequence: retained intron. Not counted in ClinVar's aggregate classification.

NM_006390.4(IPO8):c.2075-4del

Gene: IPO8 (importin 8; minus strand). Cytogenetic location: 12p11.21.
Variant type: Deletion.
Coding change: c.2075-4del on transcript NM_006390.4 (MANE Select); 4 bases into the intron before coding-DNA position 2075, one base deleted (T; older notation c.2075-4delT).
Molecular consequence: intron variant.
Genome position (GRCh38, 1-based): chr12:30,652,293, A deleted on the plus strand (T on the coding strand, the reverse complement: IPO8 is on the minus strand); the first of 8 consecutive A bases (chr12:30,652,293-30,652,300); deleting any one gives the same sequence. VCF-style (leftmost placement, unchanged base first): chr12-30652292-GA-G. GRCh37 (hg19) VCF-style: chr12-30805226-GA-G.
Other names: NC_000012.11:g.30805234del; c.1460-4del (NM_001190995.2); c.2075-11del (NM_006390.4); c.2075-4delT (NM_006390.4).
Identifiers: ClinVar variation 4284047 (VCV004284047.2).